The following is an entry in ClinVar:

ClinVar aggregate classification (germline): Pathogenic (1 of 4 stars; one submission).

Conditions:
USH2A-related disorder. Also called: USH2A-related condition; USH2A-related disorders. Identifiers: MedGen CN239332.

Submission:

Myriad Genetics, Inc.
Classification: Pathogenic for USH2A-related disorder. Last evaluated: 2025-06-28. Review status: criteria provided, single submitter. Criteria: Myriad Autosomal Dominant, Autosomal Recessive and X-Linked Classification Criteria (2023). Collection method: clinical testing. Allele origin: unknown.
Comment: NM_206933.2(USH2A):c.2268delC(N756Kfs*32) is expected to be pathogenic in the context of USH2A-related disorders. This variant is predicted to lead to an abnormal or absent protein product due to the creation of a premature termination codon in USH2A, a gene where loss-of-function variants are known to be pathogenic. Please note: this variant was assessed in the context of healthy population screening.

NM_206933.4(USH2A):c.2268del (p.Asn756fs)

Gene: USH2A (usherin; minus strand). Cytogenetic location: 1q41.
Variant type: Deletion.
Coding change: c.2268del on transcript NM_206933.4 (MANE Select); coding-DNA position 2268, one base deleted (C; older notation c.2268delC).
Protein change: p.Asn756fs; shifts the reading frame from asparagine 756.
Molecular consequence: frameshift variant.
Genome position (GRCh38, 1-based): chr1:216,247,126, G deleted on the plus strand (C on the coding strand, the reverse complement: USH2A is on the minus strand). VCF-style (leftmost placement, unchanged base first): chr1-216247125-TG-T. GRCh37 (hg19) VCF-style: chr1-216420467-TG-T.
Other names: c.2268del, p.Asn756fs (NM_007123.6); short protein forms N756fs.
Identifiers: ClinVar variation 5014658 (VCV005014658.1).
Genomic context (GRCh38, chr1:216,247,125, plus strand): 5'-ACTGAAGTCCTTTGGCTTCTTTTTTGCACTCACACTGCCCAGAGTGAGGATTGCAGAATT[TG>T]TTCACTGAGCCATGGAGGTTACACTGGCAGGGCTCACATCCAACATCATTAAAGCTTCGG-3'